The following is an entry in ClinVar:

ClinVar aggregate classification (germline): Uncertain significance. Review status: criteria provided, multiple submitters, no conflicts (2 of 4 stars). 2 submissions from 2 submitters: Uncertain significance (2). Last evaluated 2022-07-17.

Conditions:
Arrhythmogenic right ventricular dysplasia 5. Also called: Arrhythmogenic Right Ventricular Dysplasia/Cardiomyopathy 5; ARRHYTHMOGENIC RIGHT VENTRICULAR DYSPLASIA, FAMILIAL, 5. Identifiers: MedGen C1858379, MONDO:0011459, OMIM 604400.

Submissions (2):

Labcorp Genetics (formerly Invitae), Labcorp
Classification: Uncertain significance for Arrhythmogenic right ventricular dysplasia 5. Last evaluated: 2022-07-17. Review status: criteria provided, single submitter. Criteria: Invitae Variant Classification Sherloc (09022015). Collection method: clinical testing. Allele origin: germline.
Comment: This missense change has been observed in individual(s) with clinical features of TMEM43-related conditions (PMID: 33500567). ClinVar contains an entry for this variant (Variation ID: 179287). Algorithms developed to predict the effect of missense changes on protein structure and function are either unavailable or do not agree on the potential impact of this missense change (SIFT: "Tolerated"; PolyPhen-2: "Possibly Damaging"; Align-GVGD: "Class C0"). In summary, the available evidence is currently insufficient to determine the role of this variant in disease. Therefore, it has been classified as a Variant of Uncertain Significance. This variant is not present in population databases (gnomAD no frequency). This sequence change replaces leucine, which is neutral and non-polar, with valine, which is neutral and non-polar, at codon 284 of the TMEM43 protein (p.Leu284Val).

Laboratory for Molecular Medicine, Mass General Brigham Personalized Medicine
Classification: Uncertain significance. Last evaluated: 2018-12-03. Review status: criteria provided, single submitter. Criteria: LMM Criteria. Collection method: clinical testing. Allele origin: germline. Observed: 2 variant alleles.
Comment: proposed classification - variant undergoing re-assessment, contact laboratory

Literature cited by the submitters: PubMed 33500567 (cited by Labcorp Genetics (formerly Invitae), Labcorp).

NM_024334.3(TMEM43):c.850C>G (p.Leu284Val)

Gene: TMEM43 (transmembrane protein 43; plus strand). Cytogenetic location: 3p25.1.
Variant type: single nucleotide variant.
Coding change: c.850C>G on transcript NM_024334.3 (MANE Select); coding-DNA position 850, C replaced by G.
Protein change: p.Leu284Val; replaces leucine 284 with valine.
Molecular consequence: missense variant.
Genome position (GRCh38, 1-based): chr3:14,135,876, C>G. VCF-style: chr3-14135876-C-G. GRCh37 (hg19) VCF-style: chr3-14177376-C-G.
Other names: short protein forms L284V.
Identifiers: ClinVar variation 179287 (VCV000179287.13), dbSNP rs727504764, ClinGen allele CA024774.